The following is an entry in ClinVar:

NM_032638.5(GATA2):c.1143+3G>A

Gene: GATA2 (GATA binding protein 2; minus strand). Cytogenetic location: 3q21.3.
Variant type: single nucleotide variant.
Coding change: c.1143+3G>A on transcript NM_032638.5 (MANE Select); 3 bases into the intron after coding-DNA position 1143, G replaced by A.
Molecular consequence: intron variant.
Genome position (GRCh38, 1-based): chr3:128,481,816, C>T on the plus strand (G>A on the coding strand, the complement: GATA2 is on the minus strand). VCF-style: chr3-128481816-C-T. GRCh37 (hg19) VCF-style: chr3-128200659-C-T.
Other names: c.1101+3G>A (NM_001145662.1); c.1143+3G>A (NM_001145661.2).
Identifiers: ClinVar variation 2924847 (VCV002924847.3), dbSNP rs2472920679, ClinGen allele CA2667540510.

ClinVar aggregate classification (germline): Uncertain significance (1 of 4 stars; one submission).

Conditions:
Deafness-lymphedema-leukemia syndrome. Also called: Lymphedema, primary, with myelodysplasia; Emberger syndrome. Identifiers: Orphanet 3226, MedGen C3279664, MONDO:0013540, OMIM 614038.
Monocytopenia with susceptibility to infections. Also called: MONOCYTOPENIA AND MYCOBACTERIAL INFECTION SYNDROME; MONOCYTOPENIA WITH SUSCEPTIBILITY TO MYCOBACTERIAL, FUNGAL, AND PAPILLOMAVIRUS INFECTIONS AND MYELODYSPLASIA; COMBINED IMMUNODEFICIENCY WITH SUSCEPTIBILITY TO MYCOBACTERIAL, VIRAL, AND FUNGAL INFECTIONS; Dendritic cell, monocyte, B lymphocyte, and natural killer lymphocyte deficiency; IMMUNODEFICIENCY 21; GATA2 DEFICIENCY. Identifiers: Orphanet 228423, MedGen C3280030, MONDO:0013607, OMIM 614172.

Allele frequency attached by ClinVar (database versions not stated): gnomAD exomes 0.00001.

Submission:

Labcorp Genetics (formerly Invitae), Labcorp
Classification: Uncertain significance for Monocytopenia with susceptibility to infections; Deafness-lymphedema-leukemia syndrome. Last evaluated: 2024-11-11. Review status: criteria provided, single submitter. Criteria: Invitae Variant Classification Sherloc (09022015). Collection method: clinical testing. Allele origin: germline.
Comment: This sequence change falls in intron 5 of the GATA2 gene. It does not directly change the encoded amino acid sequence of the GATA2 protein. It affects a nucleotide within the consensus splice site. This variant is not present in population databases (gnomAD no frequency). This variant has not been reported in the literature in individuals affected with GATA2-related conditions. ClinVar contains an entry for this variant (Variation ID: 2924847). Variants that disrupt the consensus splice site are a relatively common cause of aberrant splicing (PMID: 17576681, 9536098). Algorithms developed to predict the effect of sequence changes on RNA splicing suggest that this variant is not likely to affect RNA splicing. In summary, the available evidence is currently insufficient to determine the role of this variant in disease. Therefore, it has been classified as a Variant of Uncertain Significance.

Literature cited by the submitters: PubMed 17576681; PubMed 9536098.